The following is an entry in ClinVar:

NM_001754.5(RUNX1):c.637_638del (p.Gln213fs)

Gene: RUNX1 (RUNX family transcription factor 1; minus strand). Cytogenetic location: 21q22.12.
Variant type: Deletion.
Coding change: c.637_638del on transcript NM_001754.5 (MANE Select); coding-DNA positions 637 to 638, 2 bases deleted (CA; older notation c.637_638delCA).
Protein change: p.Gln213fs; shifts the reading frame from glutamine 213.
Molecular consequence: frameshift variant.
Genome position (GRCh38, 1-based): chr21:34,834,577-34,834,578, TG deleted on the plus strand (CA on the coding strand, the reverse complement: RUNX1 is on the minus strand). VCF-style (leftmost placement, unchanged base first): chr21-34834576-CTG-C. GRCh37 (hg19) VCF-style: chr21-36206873-CTG-C.
Other names: NM_001754.5:c.637_638del; c.556_557del, p.Gln186fs (NM_001001890.3, NM_001122607.2); short protein forms Q186fs, Q213fs.
Identifiers: ClinVar variation 3255394 (VCV003255394.2), dbSNP rs2517041902.

ClinVar aggregate classification (germline): Pathogenic (3 of 4 stars; one submission).

Conditions:
Hereditary thrombocytopenia and hematologic cancer predisposition syndrome. Identifiers: Orphanet 71290, MedGen CN281654, MONDO:0011071.

Submission:

ClinGen Myeloid Malignancy Variant Curation Expert Panel
Classification: Pathogenic for Hereditary thrombocytopenia and hematologic cancer predisposition syndrome. Last evaluated: 2024-03-26. Review status: reviewed by expert panel. Criteria: ClinGen MyeloMalig ACMG Specifications v2. Collection method: curation. Allele origin: germline. Inheritance: Autosomal dominant inheritance.
Comment: NM_001754.5(RUNX1):c.637_638del (p.Gln213AspfsTer14) is a frameshift variant which is predicted to undergo nonsense mediated decay in a gene in which loss-of-function is an established mechanism (frameshift (-) c.98-c.758 as per VCEP specifications) (PVS1). This variant is completely absent from all population databases with at least 20x coverage for RUNX1 (PM2_Supporting). This variant is a nonsense/frameshift variants that is downstream of c.98 (PM5_Supporting). In summary, this variant meets criteria to be classified as pathogenic. ACMG/AMP criteria applied, as specified by the Myeloid Malignancy Variant Curation Expert Panel for RUNX1: PVS1, PM2_supporting, PM5_supporting.